The following is an entry in ClinVar:

NM_003922.4(HERC1):c.14244T>C (p.Asp4748=)

Gene: HERC1 (HECT and RLD domain containing E3 ubiquitin protein ligase family member 1; minus strand). Cytogenetic location: 15q22.31.
Variant type: single nucleotide variant.
Coding change: c.14244T>C on transcript NM_003922.4 (MANE Select); coding-DNA position 14244, T replaced by C.
Protein change: p.Asp4748=; no amino-acid change (aspartic acid 4748 retained).
Molecular consequence: synonymous variant.
Genome position (GRCh38, 1-based): chr15:63,612,407, A>G on the plus strand (T>C on the coding strand, the complement: HERC1 is on the minus strand). VCF-style: chr15-63612407-A-G. GRCh37 (hg19) VCF-style: chr15-63904606-A-G.
Identifiers: ClinVar variation 1594295 (VCV001594295.32), dbSNP rs201870026, ClinGen allele CA7603525.

ClinVar aggregate classification (germline): Likely benign. Review status: criteria provided, multiple submitters, no conflicts (2 of 4 stars). 2 submissions from 2 submitters: Likely benign (2). Last evaluated 2026-09-01.

Allele frequency attached by ClinVar (database versions not stated): ESP Exome Variant Server 0.00023; gnomAD 0.00023 and 0.00025; ExAC 0.00029; TOPMed 0.00029; gnomAD exomes 0.00032; 1000 Genomes Project 0.00040; 1000 Genomes Project 30x 0.00047.
gnomAD v4.1: 397 of 1,614,006 alleles (0.025%); highest among the groups gnomAD compares: Admixed American, 0.082%; no homozygotes.

Submissions (2):

CeGaT Center for Human Genetics Tuebingen
Classification: Likely benign. Last evaluated: 2026-09-01. Review status: criteria provided, single submitter. Criteria: CeGaT Center For Human Genetics Tuebingen Variant Classification Criteria Version 2. Collection method: clinical testing. Allele origin: germline. Affected: yes. Observed: 3 variant alleles.
Comment: HERC1: BP4, BP7

Labcorp Genetics (formerly Invitae), Labcorp
Classification: Likely benign. Last evaluated: 2025-12-23. Review status: criteria provided, single submitter. Criteria: Invitae Variant Classification Sherloc (09022015). Collection method: clinical testing. Allele origin: germline.